The following is an entry in ClinVar:

ClinVar aggregate classification (germline): Uncertain significance. Review status: criteria provided, multiple submitters, no conflicts (2 of 4 stars). 2 submissions from 2 submitters: Uncertain significance (2). Last evaluated 2021-01-20.

Conditions:
Bethlem myopathy 1A. Also called: Bethlem Muscular Dystrophy; MYOPATHY, BENIGN CONGENITAL, WITH CONTRACTURES; Bethlem myopathy 1. Identifiers: Orphanet 610, MedGen CN029274, MONDO:0024530, OMIM 158810.

Submissions (2):

Labcorp Genetics (formerly Invitae), Labcorp
Classification: Uncertain significance for Bethlem myopathy 1A. Last evaluated: 2021-01-20. Review status: criteria provided, single submitter. Criteria: Invitae Variant Classification Sherloc (09022015). Collection method: clinical testing. Allele origin: germline.
Comment: In summary, the available evidence is currently insufficient to determine the role of this variant in disease. Therefore, it has been classified as a Variant of Uncertain Significance. Advanced modeling of protein sequence and biophysical properties (such as structural, functional, and spatial information, amino acid conservation, physicochemical variation, residue mobility, and thermodynamic stability) performed at Invitae indicates that this missense variant is not expected to disrupt COL6A3 protein function. This variant has not been reported in the literature in individuals with COL6A3-related conditions. ClinVar contains an entry for this variant (Variation ID: 290179). This variant is not present in population databases (ExAC no frequency). This sequence change replaces leucine with phenylalanine at codon 1254 of the COL6A3 protein (p.Leu1254Phe). The leucine residue is moderately conserved and there is a small physicochemical difference between leucine and phenylalanine.

Eurofins Ntd Llc (ga)
Classification: Uncertain significance. Last evaluated: 2016-08-09. Review status: criteria provided, single submitter. Criteria: EGL Classification Definitions 2015. Collection method: clinical testing. Allele origin: germline. Observed: 1 variant allele, 1 heterozygote.

NM_004369.4(COL6A3):c.3760C>T (p.Leu1254Phe)

Gene: COL6A3 (collagen type VI alpha 3 chain; minus strand). Cytogenetic location: 2q37.3.
Variant type: single nucleotide variant.
Coding change: c.3760C>T on transcript NM_004369.4 (MANE Select); coding-DNA position 3760, C replaced by T.
Protein change: p.Leu1254Phe; replaces leucine 1254 with phenylalanine.
Molecular consequence: missense variant.
Genome position (GRCh38, 1-based): chr2:237,372,257, G>A on the plus strand (C>T on the coding strand, the complement: COL6A3 is on the minus strand). VCF-style: chr2-237372257-G-A. GRCh37 (hg19) VCF-style: chr2-238280900-G-A.
Other names: c.2539C>T, p.Leu847Phe (NM_057164.5); c.3142C>T, p.Leu1048Phe (NM_057165.5, NM_057167.4); c.1939C>T, p.Leu647Phe (NM_057166.5); short protein forms L1254F, L1048F, L647F, L847F.
Identifiers: ClinVar variation 290179 (VCV000290179.12), dbSNP rs886044373, ClinGen allele CA10606678.
Genomic context (GRCh38, chr2:237,372,257, plus strand): 5'-TGACAGCCACCCGGGTGGTGTCAAAGCCCACGTCCAGGTAGTCAACCAGCCTCTCTATGA[G>A]GGTGCGAACGTACTGGAACTCAGGCCCGGCACTTTGGGACCCATCGATGAGAAAGACCAC-3'
Protein context (NP_004360.2, residues 1244-1264): AGPEFQYVRT[Leu1254Phe]IERLVDYLDV